The following is an entry in ClinVar:

ClinVar aggregate classification (germline): Uncertain significance. Review status: criteria provided, multiple submitters, no conflicts (2 of 4 stars). 5 submissions from 5 submitters: Uncertain significance (5). Last evaluated 2026-01-15.

Conditions:
Inborn genetic diseases. Identifiers: MedGen C0950123, MeSH D030342.
Microcephaly 2, primary, autosomal recessive, with or without cortical malformations. Also called: MICROCEPHALY 2, PRIMARY, AUTOSOMAL RECESSIVE, WITH CORTICAL MALFORMATIONS; WDR62 Primary Microcephaly. Identifiers: Orphanet 2512, MedGen C1858535, MONDO:0011435, OMIM 604317.

Allele frequency attached by ClinVar (database versions not stated): gnomAD 0.00010 and 0.00011; TOPMed 0.00012; ESP Exome Variant Server 0.00015.
gnomAD v4.1: 184 of 1,614,036 alleles (0.011%); highest among the groups gnomAD compares: Non-Finnish European, 0.014%; no homozygotes.

Submissions (5):

Women's Health and Genetics/Laboratory Corporation of America, LabCorp
Classification: Uncertain significance. Last evaluated: 2026-01-15. Review status: criteria provided, single submitter. Criteria: LabCorp Variant Classification Summary - May 2015. Collection method: clinical testing. Allele origin: germline.
Comment: Variant summary: WDR62 c.328G>A (p.Ala110Thr) results in a non-conservative amino acid change in the encoded protein sequence. Algorithms developed to predict the effect of missense changes on protein structure and function are either unavailable or do not agree on the potential impact of this missense change. The variant allele was found at a frequency of 7.2e-05 in 251480 control chromosomes. This frequency is not significantly higher than estimated for disease-causing variants in WDR62, allowing no conclusion about variant significance. To our knowledge, no occurrence of c.328G>A in individuals affected with WDR62-related conditions and no experimental evidence demonstrating its impact on protein function have been reported. ClinVar contains an entry for this variant (Variation ID: 892164). Based on the evidence outlined above, the variant was classified as uncertain significance.

Ambry Genetics
Classification: Uncertain significance for Inborn genetic diseases. Last evaluated: 2024-09-30. Review status: criteria provided, single submitter. Criteria: Ambry Variant Classification Scheme 2023. Collection method: clinical testing. Allele origin: germline.

CeGaT Center for Human Genetics Tuebingen
Classification: Uncertain significance. Last evaluated: 2023-09-01. Review status: criteria provided, single submitter. Criteria: CeGaT Center For Human Genetics Tuebingen Variant Classification Criteria Version 2. Collection method: clinical testing. Allele origin: germline. Affected: yes. Observed: 1 variant allele.
Comment: WDR62: PM2, BP4

Labcorp Genetics (formerly Invitae), Labcorp
Classification: Uncertain significance. Last evaluated: 2021-09-17. Review status: criteria provided, single submitter. Criteria: Invitae Variant Classification Sherloc (09022015). Collection method: clinical testing. Allele origin: germline.
Comment: This sequence change replaces alanine with threonine at codon 110 of the WDR62 protein (p.Ala110Thr). The alanine residue is weakly conserved and there is a small physicochemical difference between alanine and threonine. This variant is present in population databases (rs200316266, ExAC 0.01%). This variant has not been reported in the literature in individuals affected with WDR62-related conditions. ClinVar contains an entry for this variant (Variation ID: 892164). Algorithms developed to predict the effect of missense changes on protein structure and function output the following: SIFT: "Tolerated"; PolyPhen-2: "Benign"; Align-GVGD: "Class C0". The threonine amino acid residue is found in multiple mammalian species, which suggests that this missense change does not adversely affect protein function. In summary, the available evidence is currently insufficient to determine the role of this variant in disease. Therefore, it has been classified as a Variant of Uncertain Significance.

Illumina Laboratory Services, Illumina
Classification: Uncertain significance for Microcephaly 2, primary, autosomal recessive, with or without cortical malformations. Last evaluated: 2018-01-13. Review status: criteria provided, single submitter. Criteria: ICSL Variant Classification Criteria 13 December 2019. Collection method: clinical testing. Allele origin: germline.

NM_001083961.2(WDR62):c.328G>A (p.Ala110Thr)

Gene: WDR62 (WD repeat domain 62; plus strand). Cytogenetic location: 19q13.12.
Variant type: single nucleotide variant.
Coding change: c.328G>A on transcript NM_001083961.2 (MANE Select); coding-DNA position 328, G replaced by A.
Protein change: p.Ala110Thr; replaces alanine 110 with threonine.
Molecular consequence: missense variant.
Genome position (GRCh38, 1-based): chr19:36,060,026, G>A. VCF-style: chr19-36060026-G-A. GRCh37 (hg19) VCF-style: chr19-36550928-G-A.
Other names: c.328G>A, p.Ala110Thr (NM_173636.5); short protein forms A110T.
Identifiers: ClinVar variation 892164 (VCV000892164.36), dbSNP rs200316266, ClinGen allele CA9395225.